The following is an entry in ClinVar:

NM_001029883.3(PCARE):c.2855G>A (p.Arg952Lys)

Gene: PCARE (photoreceptor cilium actin regulator; minus strand). Cytogenetic location: 2p23.2.
Variant type: single nucleotide variant.
Coding change: c.2855G>A on transcript NM_001029883.3 (MANE Select); coding-DNA position 2855, G replaced by A.
Protein change: p.Arg952Lys; replaces arginine 952 with lysine.
Molecular consequence: missense variant.
Genome position (GRCh38, 1-based): chr2:29,071,407, C>T on the plus strand (G>A on the coding strand, the complement: PCARE is on the minus strand). VCF-style: chr2-29071407-C-T. GRCh37 (hg19) VCF-style: chr2-29294273-C-T.
Other names: short protein forms R952K.
Identifiers: ClinVar variation 1973475 (VCV001973475.4), dbSNP rs751619964, ClinGen allele CA1592101.

ClinVar aggregate classification (germline): Uncertain significance (1 of 4 stars; one submission).

Allele frequency attached by ClinVar (database versions not stated): gnomAD exomes 0.00001; ExAC 0.00002.

Submission:

Labcorp Genetics (formerly Invitae), Labcorp
Classification: Uncertain significance. Last evaluated: 2024-11-11. Review status: criteria provided, single submitter. Criteria: Invitae Variant Classification Sherloc (09022015). Collection method: clinical testing. Allele origin: germline.
Comment: This sequence change replaces arginine, which is basic and polar, with lysine, which is basic and polar, at codon 952 of the PCARE protein (p.Arg952Lys). This variant is present in population databases (rs751619964, gnomAD 0.003%). This variant has not been reported in the literature in individuals affected with PCARE-related conditions. ClinVar contains an entry for this variant (Variation ID: 1973475). An algorithm developed to predict the effect of missense changes on protein structure and function outputs the following: PolyPhen-2: "Benign". The lysine amino acid residue is found in multiple mammalian species, which suggests that this missense change does not adversely affect protein function. In summary, the available evidence is currently insufficient to determine the role of this variant in disease. Therefore, it has been classified as a Variant of Uncertain Significance.